The following is an entry in ClinVar:

NM_004525.3(LRP2):c.13855C>T (p.Leu4619Phe)

Gene: LRP2 (LDL receptor related protein 2; minus strand). Cytogenetic location: 2q31.1.
Variant type: single nucleotide variant.
Coding change: c.13855C>T on transcript NM_004525.3 (MANE Select); coding-DNA position 13855, C replaced by T.
Protein change: p.Leu4619Phe; replaces leucine 4619 with phenylalanine.
Molecular consequence: missense variant.
Genome position (GRCh38, 1-based): chr2:169,128,776, G>A on the plus strand (C>T on the coding strand, the complement: LRP2 is on the minus strand). VCF-style: chr2-169128776-G-A. GRCh37 (hg19) VCF-style: chr2-169985286-G-A.
Other names: c.13855C>T (NM_004525.2); short protein forms L4619F.
Identifiers: ClinVar variation 1374771 (VCV001374771.10), dbSNP rs749765184, ClinGen allele CA1952395.

ClinVar aggregate classification (germline): Uncertain significance. Review status: criteria provided, multiple submitters, no conflicts (2 of 4 stars). 5 submissions from 5 submitters: Uncertain significance (5). Last evaluated 2026-07-20.

Conditions:
LRP2-related disorder. Also called: LRP2-related condition.
Donnai-Barrow syndrome. Also called: FACIOOCULOACOUSTICORENAL SYNDROME; DBS/FOAR SYNDROME. Identifiers: Orphanet 2143, MedGen C1857277, MONDO:0009104, OMIM 222448.

Allele frequency attached by ClinVar (database versions not stated): gnomAD exomes 0.00001 and 0.00004; TOPMed 0.00003; ExAC 0.00005.
gnomAD v4.1: 14 of 1,614,124 alleles (0.00087%); highest among the groups gnomAD compares: Admixed American, 0.0083%; no homozygotes.

Submissions (5):

PreventionGenetics, part of Exact Sciences
Classification: Uncertain significance for LRP2-related condition. Last evaluated: 2026-07-20. Review status: criteria provided, single submitter. Criteria: ACMG Guidelines, 2015. Collection method: clinical testing. Allele origin: germline.
Comment: The LRP2 c.13855C>T variant is predicted to result in the amino acid substitution p.Leu4619Phe. To our knowledge, this variant has not been reported in the literature. This variant is reported in 0.014% of alleles in individuals of Latino descent in gnomAD. At this time, the clinical significance of this variant is uncertain due to the absence of conclusive functional and genetic evidence.

GeneDx
Classification: Uncertain significance. Last evaluated: 2025-08-28. Review status: criteria provided, single submitter. Criteria: GeneDx Variant Classification Process June 2021. Collection method: clinical testing. Allele origin: germline.
Comment: In silico analysis suggests that this missense variant does not alter protein structure/function; Has not been previously published as pathogenic or benign to our knowledge

Fulgent Genetics
Classification: Uncertain significance for Donnai-Barrow syndrome. Last evaluated: 2024-03-15. Review status: criteria provided, single submitter. Criteria: ACMG Guidelines, 2015. Collection method: clinical testing. Allele origin: germline.

Department of Pathology and Laboratory Medicine, Sinai Health System
Classification: Uncertain significance for Donnai-Barrow syndrome. Last evaluated: 2021-11-17. Review status: criteria provided, single submitter. Criteria: ACMG Guidelines, 2015. Collection method: research. Allele origin: germline.

Labcorp Genetics (formerly Invitae), Labcorp
Classification: Uncertain significance. Last evaluated: 2021-09-24. Review status: criteria provided, single submitter. Criteria: Invitae Variant Classification Sherloc (09022015). Collection method: clinical testing. Allele origin: germline.
Comment: This sequence change replaces leucine with phenylalanine at codon 4619 of the LRP2 protein (p.Leu4619Phe). The leucine residue is moderately conserved and there is a small physicochemical difference between leucine and phenylalanine. This variant is present in population databases (rs749765184, ExAC 0.03%). This variant has not been reported in the literature in individuals with LRP2-related conditions. Advanced modeling of protein sequence and biophysical properties (such as structural, functional, and spatial information, amino acid conservation, physicochemical variation, residue mobility, and thermodynamic stability) performed at Invitae indicates that this missense variant is not expected to disrupt LRP2 protein function. In summary, the available evidence is currently insufficient to determine the role of this variant in disease. Therefore, it has been classified as a Variant of Uncertain Significance.